The following is an entry in ClinVar:

ClinVar aggregate classification (germline): Likely pathogenic (1 of 4 stars; one submission).

Conditions:
Leukoencephalopathy-thalamus and brainstem anomalies-high lactate syndrome. Also called: LEUKOENCEPHALOPATHY WITH THALAMUS AND BRAINSTEM INVOLVEMENT AND HIGH LACTATE; Combined oxidative phosphorylation deficiency 12. Identifiers: Orphanet 314051, MedGen C4706421, MONDO:0013971, OMIM 614924.

Submission:

Juno Genomics, Hangzhou Juno Genomics, Inc
Classification: Likely pathogenic for Leukoencephalopathy-thalamus and brainstem anomalies-high lactate syndrome. Review status: criteria provided, single submitter. Criteria: ACMG Guidelines, 2015. Collection method: clinical testing. Allele origin: germline.
Comment: Null variant in a gene where loss of function (LOF) is a known mechanism of disease.;Absent from controls (or at extremely low frequency if recessive) in Genome Aggregation Database.

NM_001083614.2(EARS2):c.1027_1028del (p.Ala344fs)

Gene: EARS2 (glutamyl-tRNA synthetase 2, mitochondrial; minus strand). Cytogenetic location: 16p12.2.
Variant type: Deletion.
Coding change: c.1027_1028del on transcript NM_001083614.2 (MANE Select); coding-DNA positions 1027 to 1028, 2 bases deleted (TC; older notation c.1027_1028delTC).
Protein change: p.Ala344fs; shifts the reading frame from alanine 344.
Molecular consequence: frameshift variant. On other transcripts: non-coding transcript variant (1).
Genome position (GRCh38, 1-based): chr16:23,532,696-23,532,697, GA deleted on the plus strand (TC on the coding strand, the reverse complement: EARS2 is on the minus strand); deleting any 2 consecutive bases within chr16:23,532,696-23,532,698 gives the same sequence; the c. name uses the placement nearest the transcript's 3' end. VCF-style (leftmost placement, unchanged base first): chr16-23532695-TGA-T. GRCh37 (hg19) VCF-style: chr16-23544016-TGA-T.
Other names: c.1027_1028del, p.Ala344fs (NM_001308211.1); short protein forms A344fs.
Identifiers: ClinVar variation 5005557 (VCV005005557.2).